The following is an entry in ClinVar:

ClinVar aggregate classification (germline): Uncertain significance (1 of 4 stars; one submission).

Conditions:
Familial thoracic aortic aneurysm and aortic dissection (TAAD). Also called: Thoracic aortic aneurysms and dissections. Identifiers: Orphanet 91387, MedGen C4707243, MONDO:0019625.

gnomAD v4.1: 1 of 1,613,446 alleles (0.000062%); highest among the groups gnomAD compares: Non-Finnish European, 0.000085%; no homozygotes.

Submission:

Labcorp Genetics (formerly Invitae), Labcorp
Classification: Uncertain significance for Familial thoracic aortic aneurysm and aortic dissection. Last evaluated: 2024-10-07. Review status: criteria provided, single submitter. Criteria: Invitae Variant Classification Sherloc (09022015). Collection method: clinical testing. Allele origin: germline.
Comment: This sequence change falls in intron 6 of the TGFBR1 gene. It does not directly change the encoded amino acid sequence of the TGFBR1 protein. It affects a nucleotide within the consensus splice site. This variant is not present in population databases (gnomAD no frequency). This variant has not been reported in the literature in individuals affected with TGFBR1-related conditions. Variants that disrupt the consensus splice site are a relatively common cause of aberrant splicing (PMID: 17576681, 9536098). Algorithms developed to predict the effect of sequence changes on RNA splicing suggest that this variant is not likely to affect RNA splicing. In summary, the available evidence is currently insufficient to determine the role of this variant in disease. Therefore, it has been classified as a Variant of Uncertain Significance.

Literature cited by the submitters: PubMed 17576681; PubMed 9536098.

NM_004612.4(TGFBR1):c.1130+5A>G

Gene: TGFBR1 (transforming growth factor beta receptor 1; plus strand). Cytogenetic location: 9q22.33.
Variant type: single nucleotide variant.
Coding change: c.1130+5A>G on transcript NM_004612.4 (MANE Select); 5 bases into the intron after coding-DNA position 1130, A replaced by G.
Molecular consequence: intron variant.
Genome position (GRCh38, 1-based): chr9:99,144,893, A>G. VCF-style: chr9-99144893-A-G. GRCh37 (hg19) VCF-style: chr9-101907175-A-G.
Other names: c.935+5A>G (NM_001407418.1, NM_001407419.1, NM_001407422.1 and 1 more transcripts); c.923+5A>G (NM_001407423.1, NM_001407424.1, NM_001407425.1 and 8 more transcripts); c.1142+5A>G (NM_001306210.2); c.974+5A>G (NM_001407416.1); c.962+5A>G (NM_001407417.1); c.899+5A>G (NM_001407435.1, NM_001130916.3); c.884+5A>G (NM_001407436.1); c.653+5A>G (NM_001407438.1); and 1 more.
Identifiers: ClinVar variation 3722383 (VCV003722383.2).
Genomic context (GRCh38, chr9:99,144,893, plus strand): 5'-GATTCAGCCACAGATACCATTGATATTGCTCCAAACCACAGAGTGGGAACAAAAAGGTAT[A>G]CTTTTGAACAACTATATTTAATATCTTCTGAAATCACCTTTTTTCCCTTCTCTTTCATAT-3'